The following is an entry in ClinVar:

NM_025179.4(PLXNA2):c.2484C>T (p.Gly828=)

Gene: PLXNA2 (plexin A2; minus strand). Cytogenetic location: 1q32.2.
Variant type: single nucleotide variant.
Coding change: c.2484C>T on transcript NM_025179.4 (MANE Select); coding-DNA position 2484, C replaced by T.
Protein change: p.Gly828=; no amino-acid change (glycine 828 retained).
Molecular consequence: synonymous variant.
Genome position (GRCh38, 1-based): chr1:208,079,362, G>A on the plus strand (C>T on the coding strand, the complement: PLXNA2 is on the minus strand). VCF-style: chr1-208079362-G-A. GRCh37 (hg19) VCF-style: chr1-208252707-G-A.
Identifiers: ClinVar variation 3350106 (VCV003350106.1).
Genomic context (GRCh38, chr1:208,079,362, plus strand): 5'-CCAGTCGAGCCAGGGGCTGGAAGGGCTGGTACAGTGCTGGTGGAGGGTGCACCTGCGCTC[G>A]CCGCTGCACCAGCCACACTCAAACTTCCGGTCGGCCTTGAGGCAGAGGCCGCAGCTCTCC-3'
Protein context (NP_079455.3, residues 818-838): DRKFECGWCS[Gly828=]ERRCTLHQHC

ClinVar aggregate classification (germline): Likely benign (0 of 4 stars; one submission).

Conditions:
PLXNA2-related disorder. Also called: PLXNA2-related condition.

gnomAD v4.1: 8 of 1,612,354 alleles (0.0005%); highest among the groups gnomAD compares: South Asian, 0.0022%; no homozygotes.

Submission:

PreventionGenetics, part of Exact Sciences
Classification: Likely benign for PLXNA2-related condition. Last evaluated: 2024-05-07. Review status: no assertion criteria provided. Collection method: clinical testing. Allele origin: germline.
Comment: This variant is classified as likely benign based on ACMG/AMP sequence variant interpretation guidelines (Richards et al. 2015 PMID: 25741868, with internal and published modifications).